The following is an entry in ClinVar:

ClinVar aggregate classification (germline): Conflicting classifications of pathogenicity. Review status: criteria provided, conflicting classifications (1 of 4 stars). 2 submissions from 2 submitters: Pathogenic (1); Likely benign (1). Last evaluated 2026-04-01.

Conditions:
Primary ciliary dyskinesia. Also called: Ciliary dyskinesia. Identifiers: Orphanet 244, MedGen C0008780, MONDO:0016575, HP:0012265.

Submissions (2):

Department of Human Genetics, Hannover Medical School
Classification: Pathogenic for Primary Ciliary Dyskinesia. Last evaluated: 2026-04-01. Review status: criteria provided, single submitter. Criteria: ACMG Guidelines, 2015. Collection method: research. Allele origin: germline. Affected: no.
Comment: Classification performed by HerediClassify using the following criteria:['PVS1_protein_very_strong: Transcript ENST00000327554 is predicted to undergo NMD. ', "PP4_moderate: The PICADAR socre of 8.0 exceeds threshold of 8 achieving 'strong' evidence strength."]

CeGaT Center for Human Genetics Tuebingen
Classification: Likely benign. Last evaluated: 2024-02-01. Review status: criteria provided, single submitter. Criteria: CeGaT Center For Human Genetics Tuebingen Variant Classification Criteria Version 2. Collection method: clinical testing. Allele origin: germline. Affected: yes. Observed: 1 variant allele.
Comment: CCDC60: BS2

NM_178499.5(CCDC60):c.333del (p.Leu112fs)

Genes: PRKAB1-AS1 (PRKAB1, TMEM233 and CCDC60 antisense RNA 1; minus strand), CCDC60 (coiled-coil domain containing 60; plus strand). Cytogenetic location: 12q24.23.
Variant type: Deletion.
Coding change: c.333del on transcript NM_178499.5 (MANE Select); coding-DNA position 333, one base deleted (C; older notation c.333delC).
Protein change: p.Leu112fs; shifts the reading frame from leucine 112.
Molecular consequence: frameshift variant.
Genome position (GRCh38, 1-based): chr12:119,472,156, C deleted; the last of 2 consecutive C bases (chr12:119,472,155-119,472,156); deleting either gives the same sequence. VCF-style (leftmost placement, unchanged base first): chr12-119472154-AC-A. GRCh37 (hg19) VCF-style: chr12-119909959-AC-A.
Other names: short protein forms L112fs.
Identifiers: ClinVar variation 3025112 (VCV003025112.23), dbSNP rs559574757, ClinGen allele CA6819802.
Genomic context (GRCh38, chr12:119,472,154, plus strand): 5'-GAGGAGGAAAGAAATAAATTCCAGCCAGCCGAAAAGATCTCAGAAATCCACTATGGGGAC[AC>A]CTTATTGAGGTAAGTGGATGCAGTAGCTGTGGCACTGAAGGTTTTGGGAATGACCATTGA-3'